The following is an entry in ClinVar:

ClinVar aggregate classification (germline): Uncertain significance (1 of 4 stars; one submission).

Conditions:
Cardiovascular phenotype. Identifiers: MedGen CN230736.

Submission:

Ambry Genetics
Classification: Uncertain significance for Cardiovascular phenotype. Last evaluated: 2024-03-13. Review status: criteria provided, single submitter. Criteria: Ambry Variant Classification Scheme 2023. Collection method: clinical testing. Allele origin: germline.
Comment: The p.Q768H variant (also known as c.2304G>T), located in coding exon 15 of the ABCA1 gene, results from a G to T substitution at nucleotide position 2304. The glutamine at codon 768 is replaced by histidine, an amino acid with highly similar properties. This amino acid position is conserved. In addition, the in silico prediction for this alteration is inconclusive. Based on the available evidence, the clinical significance of this alteration remains unclear.

NM_005502.4(ABCA1):c.2304G>T (p.Gln768His)

Gene: ABCA1 (ATP binding cassette subfamily A member 1; minus strand). Cytogenetic location: 9q31.1.
Variant type: single nucleotide variant.
Coding change: c.2304G>T on transcript NM_005502.4 (MANE Select); coding-DNA position 2304, G replaced by T.
Protein change: p.Gln768His; replaces glutamine 768 with histidine.
Molecular consequence: missense variant.
Genome position (GRCh38, 1-based): chr9:104,826,981, C>A on the plus strand (G>T on the coding strand, the complement: ABCA1 is on the minus strand). VCF-style: chr9-104826981-C-A. GRCh37 (hg19) VCF-style: chr9-107589262-C-A.
Other names: short protein forms Q768H.
Identifiers: ClinVar variation 3224737 (VCV003224737.1), dbSNP rs2538164563, ClinGen allele CA374321596.